The following is an entry in ClinVar:

ClinVar aggregate classification (germline): Uncertain significance (1 of 4 stars; one submission).

gnomAD v4.1: 5 of 1,613,544 alleles (0.00031%); highest among the groups gnomAD compares: Middle Eastern, 0.017%; no homozygotes.

Submission:

Ambry Genetics
Classification: Uncertain significance. Last evaluated: 2025-01-19. Review status: criteria provided, single submitter. Criteria: Ambry Variant Classification Scheme 2023. Collection method: clinical testing. Allele origin: germline.
Comment: The p.I427S variant (also known as c.1280T>G), located in coding exon 8 of the ATRIP gene, results from a T to G substitution at nucleotide position 1280. The isoleucine at codon 427 is replaced by serine, an amino acid with dissimilar properties. This amino acid position is conserved. In addition, the in silico prediction for this alteration is inconclusive. Based on the available evidence, the clinical significance of this variant remains unclear.

NM_130384.3(ATRIP):c.1280T>G (p.Ile427Ser)

Genes: ATRIP (ATR interacting protein; plus strand), ATRIP-TREX1 (ATRIP-TREX1 readthrough; plus strand). Cytogenetic location: 3p21.31.
Variant type: single nucleotide variant.
Coding change: c.1280T>G on transcript NM_130384.3 (MANE Select); coding-DNA position 1280, T replaced by G.
Protein change: p.Ile427Ser; replaces isoleucine 427 with serine.
Molecular consequence: missense variant. On other transcripts: non-coding transcript variant (1).
Genome position (GRCh38, 1-based): chr3:48,460,334, T>G. VCF-style: chr3-48460334-T-G. GRCh37 (hg19) VCF-style: chr3-48501733-T-G.
Other names: c.899T>G, p.Ile300Ser (NM_001271022.2); c.1001T>G, p.Ile334Ser (NM_001271023.2); c.1280T>G, p.Ile427Ser (NM_032166.4); short protein forms I334S, I427S, I300S.
Identifiers: ClinVar variation 3810023 (VCV003810023.1).